The following is an entry in ClinVar:

ClinVar aggregate classification (germline): Likely benign. Review status: criteria provided, multiple submitters, no conflicts (2 of 4 stars). 3 submissions from 3 submitters: Likely benign (3). Last evaluated 2025-02-06.

Conditions:
Inborn genetic diseases. Identifiers: MedGen C0950123, MeSH D030342.
Combined oxidative phosphorylation deficiency. Identifiers: MedGen C4540031, MONDO:0000732.
Charcot-Marie-Tooth Neuropathy X. Identifiers: MedGen CN118851.

Allele frequency attached by ClinVar (database versions not stated): gnomAD 0.00002; TOPMed 0.00004; ExAC 0.00006; gnomAD exomes 0.00006 and 0.00007; ESP Exome Variant Server 0.00009.
gnomAD v4.1: 79 of 1,209,082 alleles (0.0065%); highest among the groups gnomAD compares: Non-Finnish European, 0.0084%; no homozygotes.

Submissions (3):

Labcorp Genetics (formerly Invitae), Labcorp
Classification: Likely benign for Charcot-Marie-Tooth Neuropathy X; Combined oxidative phosphorylation deficiency. Last evaluated: 2025-02-06. Review status: criteria provided, single submitter. Criteria: Invitae Variant Classification Sherloc (09022015). Collection method: clinical testing. Allele origin: germline.

CeGaT Center for Human Genetics Tuebingen
Classification: Likely benign. Last evaluated: 2022-12-01. Review status: criteria provided, single submitter. Criteria: CeGaT Center For Human Genetics Tuebingen Variant Classification Criteria Version 2. Collection method: clinical testing. Allele origin: germline. Affected: yes. Observed: 1 variant allele.
Comment: AIFM1: BP4, BP7, BS2

Ambry Genetics
Classification: Likely benign for Inborn genetic diseases. Last evaluated: 2019-07-11. Review status: criteria provided, single submitter. Criteria: Ambry Variant Classification Scheme 2023. Collection method: clinical testing. Allele origin: germline.

NM_004208.4(AIFM1):c.801G>A (p.Leu267=)

Genes: AIFM1 (apoptosis inducing factor mitochondria associated 1; minus strand), RAB33A (RAB33A, member RAS oncogene family; plus strand). Cytogenetic location: Xq26.1.
Variant type: single nucleotide variant.
Coding change: c.801G>A on transcript NM_004208.4 (MANE Select); coding-DNA position 801, G replaced by A.
Protein change: p.Leu267=; no amino-acid change (leucine 267 retained).
Molecular consequence: synonymous variant. On other transcripts: non-coding transcript variant (1).
Genome position (GRCh38, 1-based): chrX:130,139,852, C>T on the plus strand (G>A on the coding strand, the complement: AIFM1 is on the minus strand). VCF-style: chrX-130139852-C-T. GRCh37 (hg19) VCF-style: chrX-129273827-C-T.
Other names: c.801G>A, p.Leu267= (NM_001130847.4); c.789G>A, p.Leu263= (NM_145812.3).
Identifiers: ClinVar variation 477608 (VCV000477608.37), dbSNP rs373960871, ClinGen allele CA10515385.